The following is an entry in ClinVar:

ClinVar aggregate classification (germline): Likely pathogenic (1 of 4 stars; one submission).

Conditions:
Hypotonia, infantile, with psychomotor retardation and characteristic facies 3 (IHPRF3). Also called: TBCK-Related Neurodevelopmental Disorder. Identifiers: Orphanet 488632, MedGen C5567480, MONDO:0014823, OMIM 616900.

Submission:

First Genomix Gene Laboratory, Genetic Diagnostics Department
Classification: Likely pathogenic for Hypotonia, infantile, with psychomotor retardation and characteristic facies 3. Last evaluated: 2025-05-22. Review status: criteria provided, single submitter. Criteria: ACMG Guidelines, 2015. Collection method: clinical testing. Allele origin: germline. Inheritance: Autosomal recessive inheritance. Affected: no. Observed: 1 variant allele.

NM_001163435.3(TBCK):c.970G>T (p.Glu324Ter)

Gene: TBCK (TBC1 domain containing kinase; minus strand). Cytogenetic location: 4q24.
Variant type: single nucleotide variant.
Coding change: c.970G>T on transcript NM_001163435.3 (MANE Select); coding-DNA position 970, G replaced by T.
Protein change: p.Glu324Ter; replaces glutamic acid 324 with a stop codon.
Molecular consequence: nonsense.
Genome position (GRCh38, 1-based): chr4:106,244,726, C>A on the plus strand (G>T on the coding strand, the complement: TBCK is on the minus strand). VCF-style: chr4-106244726-C-A. GRCh37 (hg19) VCF-style: chr4-107165883-C-A.
Other names: c.970G>T, p.Glu324Ter (NM_001163436.4); c.853G>T, p.Glu285Ter (NM_001163437.3); c.454G>T, p.Glu152Ter (NM_001290768.2); c.781G>T, p.Glu261Ter (NM_033115.5); short protein forms E152*, E261*, E285*, E324*.
Identifiers: ClinVar variation 4849487 (VCV004849487.1).